The following is an entry in ClinVar:

ClinVar aggregate classification (germline): Uncertain significance. Review status: criteria provided, multiple submitters, no conflicts (2 of 4 stars). 2 submissions from 2 submitters: Uncertain significance (2). Last evaluated 2025-12-15.

Conditions:
Inborn genetic diseases. Identifiers: MedGen C0950123, MeSH D030342.

gnomAD v4.1: 62 of 1,548,504 alleles (0.004%); highest among the groups gnomAD compares: East Asian, 0.017%; no homozygotes.

Submissions (2):

Ambry Genetics
Classification: Uncertain significance for Inborn genetic diseases. Last evaluated: 2025-12-15. Review status: criteria provided, single submitter. Criteria: Ambry Variant Classification Scheme 2023. Collection method: clinical testing. Allele origin: germline.

Labcorp Genetics (formerly Invitae), Labcorp
Classification: Uncertain significance. Last evaluated: 2025-07-23. Review status: criteria provided, single submitter. Criteria: Invitae Variant Classification Sherloc (09022015). Collection method: clinical testing. Allele origin: germline.
Comment: This sequence change replaces arginine, which is basic and polar, with glutamine, which is neutral and polar, at codon 836 of the HR protein (p.Arg836Gln). This variant is present in population databases (rs201739936, gnomAD 0.02%). This variant has not been reported in the literature in individuals affected with HR-related conditions. An algorithm developed to predict the effect of missense changes on protein structure and function outputs the following: PolyPhen-2: "Benign". The glutamine amino acid residue is found in multiple mammalian species, which suggests that this missense change does not adversely affect protein function. In summary, the available evidence is currently insufficient to determine the role of this variant in disease. Therefore, it has been classified as a Variant of Uncertain Significance.

NM_005144.5(HR):c.2507G>A (p.Arg836Gln)

Gene: HR (HR lysine demethylase and nuclear receptor corepressor; minus strand). Cytogenetic location: 8p21.3.
Variant type: single nucleotide variant.
Coding change: c.2507G>A on transcript NM_005144.5 (MANE Select); coding-DNA position 2507, G replaced by A.
Protein change: p.Arg836Gln; replaces arginine 836 with glutamine.
Molecular consequence: missense variant.
Genome position (GRCh38, 1-based): chr8:22,120,819, C>T on the plus strand (G>A on the coding strand, the complement: HR is on the minus strand). VCF-style: chr8-22120819-C-T. GRCh37 (hg19) VCF-style: chr8-21978332-C-T.
Other names: c.2507G>A (NM_005144.4); c.2507G>A, p.Arg836Gln (NM_018411.4); short protein forms R836Q.
Identifiers: ClinVar variation 4713562 (VCV004713562.2).